The following is an entry in ClinVar:

ClinVar aggregate classification (germline): Conflicting classifications of pathogenicity. Review status: criteria provided, conflicting classifications (1 of 4 stars). 2 submissions from 2 submitters: Likely pathogenic (1); Uncertain significance (1). Last evaluated 2024-08-21.

gnomAD v4.1: 1 of 1,613,644 alleles (0.000062%); highest among the groups gnomAD compares: Middle Eastern, 0.017%; no homozygotes.

Submissions (2):

Labcorp Genetics (formerly Invitae), Labcorp
Classification: Uncertain significance. Last evaluated: 2024-08-21. Review status: criteria provided, single submitter. Criteria: Invitae Variant Classification Sherloc (09022015). Collection method: clinical testing. Allele origin: germline.
Comment: This sequence change replaces glycine, which is neutral and non-polar, with glutamic acid, which is acidic and polar, at codon 1722 of the COL7A1 protein (p.Gly1722Glu). This variant is not present in population databases (gnomAD no frequency). This variant has not been reported in the literature in individuals affected with COL7A1-related conditions. Invitae Evidence Modeling of protein sequence and biophysical properties (such as structural, functional, and spatial information, amino acid conservation, physicochemical variation, residue mobility, and thermodynamic stability) indicates that this missense variant is expected to disrupt COL7A1 protein function with a positive predictive value of 95%. This variant disrupts the triple helix domain of COL7A1. Glycine residues within the Gly-Xaa-Yaa repeats of the triple helix domain are required for the structure and stability of fibrillar collagens (PMID: 7695699, 8218237, 19344236), and variants at these glycine residues in COL7A1 are more frequently observed in individuals with disease than in the general population (PMID: 22058051). However, the clinical significance of this observation remains uncertain since only a limited number of affected individuals have been described to date. In summary, the available evidence is currently insufficient to determine the role of this variant in disease. Therefore, it has been classified as a Variant of Uncertain Significance.

Revvity Omics, Revvity
Classification: Likely pathogenic. Last evaluated: 2024-04-12. Review status: criteria provided, single submitter. Criteria: ACMG Guidelines, 2015. Collection method: clinical testing. Allele origin: germline.

Literature cited by the submitters: PubMed 7695699 (cited by Labcorp Genetics (formerly Invitae), Labcorp); PubMed 8218237 (cited by Labcorp Genetics (formerly Invitae), Labcorp); PubMed 19344236 (cited by Labcorp Genetics (formerly Invitae), Labcorp); PubMed 22058051 (cited by Labcorp Genetics (formerly Invitae), Labcorp).

NM_000094.4(COL7A1):c.5165G>A (p.Gly1722Glu)

Gene: COL7A1 (collagen type VII alpha 1 chain; minus strand). Cytogenetic location: 3p21.31.
Variant type: single nucleotide variant.
Coding change: c.5165G>A on transcript NM_000094.4 (MANE Select); coding-DNA position 5165, G replaced by A.
Protein change: p.Gly1722Glu; replaces glycine 1722 with glutamic acid.
Molecular consequence: missense variant.
Genome position (GRCh38, 1-based): chr3:48,579,658, C>T on the plus strand (G>A on the coding strand, the complement: COL7A1 is on the minus strand). VCF-style: chr3-48579658-C-T. GRCh37 (hg19) VCF-style: chr3-48617091-C-T.
Other names: short protein forms G1722E.
Identifiers: ClinVar variation 3609219 (VCV003609219.2).